The following is an entry in ClinVar:

ClinVar aggregate classification (germline): Benign/Likely benign. Review status: criteria provided, multiple submitters, no conflicts (2 of 4 stars). 9 submissions from 9 submitters: Benign (6); Likely benign (1). 2 of the submissions do not count toward it. Last evaluated 2026-02-03.

Conditions:
COL6A1-related disorder. Also called: COL6A1-related condition.
Bethlem myopathy 1A. Also called: MYOPATHY, BENIGN CONGENITAL, WITH CONTRACTURES; Bethlem myopathy 1; Bethlem Muscular Dystrophy. Identifiers: Orphanet 610, MedGen CN029274, MONDO:0024530, OMIM 158810.
Ullrich congenital muscular dystrophy 1A. Also called: Intermediate COL6-RD; Ullrich congenital muscular dystrophy 1. Identifiers: Orphanet 75840, MedGen C0410179, MONDO:0009681, OMIM 254090.
Collagen 6-related myopathy. Identifiers: MedGen CN117976, MONDO:0100225.

Allele frequency attached by ClinVar (database versions not stated): 1000 Genomes Project 30x 0.00906; 1000 Genomes Project 0.00919; ESP Exome Variant Server 0.00946; TOPMed 0.00786.

Submissions (9):

Labcorp Genetics (formerly Invitae), Labcorp
Classification: Benign for Bethlem myopathy 1A. Last evaluated: 2026-02-03. Review status: criteria provided, single submitter. Criteria: Invitae Variant Classification Sherloc (09022015). Collection method: clinical testing. Allele origin: germline.

Mayo Clinic Laboratories, Mayo Clinic
Classification: Benign. Last evaluated: 2022-10-20. Review status: criteria provided, single submitter. Criteria: ACMG Guidelines, 2015. Collection method: clinical testing. Allele origin: germline. Observed: 7 variant alleles.
Comment: BS1, BS2

Fulgent Genetics
Classification: Likely benign for Bethlem myopathy 1A; Ullrich congenital muscular dystrophy 1A. Last evaluated: 2021-08-06. Review status: criteria provided, single submitter. Criteria: ACMG Guidelines, 2015. Collection method: clinical testing. Allele origin: unknown.

Illumina Laboratory Services, Illumina
Classification: Benign for Collagen VI-related myopathy. Last evaluated: 2018-01-12. Review status: criteria provided, single submitter. Criteria: ICSL Variant Classification Criteria 13 December 2019. Collection method: clinical testing. Allele origin: germline.
Comment: This variant was observed in the ICSL laboratory as part of a predisposition screen in an ostensibly healthy population. It had not been previously curated by ICSL or reported in the Human Gene Mutation Database (HGMD: prior to June 1st, 2018), and was therefore a candidate for classification through an automated scoring system. Utilizing variant allele frequency, disease prevalence and penetrance estimates, and inheritance mode, an automated score was calculated to assess if this variant is too frequent to cause the disease. Based on the score and internal cut-off values, a variant classified as benign is not then subjected to further curation. The score for this variant resulted in a classification of benign for this disease.

GeneDx
Classification: Benign. Last evaluated: 2016-10-17. Review status: criteria provided, single submitter. Criteria: GeneDx Variant Classification (06012015). Collection method: clinical testing. Allele origin: germline. Affected: yes.
Comment: This variant is considered likely benign or benign based on one or more of the following criteria: it is a conservative change, it occurs at a poorly conserved position in the protein, it is predicted to be benign by multiple in silico algorithms, and/or has population frequency not consistent with disease.

Eurofins Ntd Llc (ga)
Classification: Benign. Last evaluated: 2012-08-23. Review status: criteria provided, single submitter. Criteria: EGL Classification Definitions 2015. Collection method: clinical testing. Allele origin: germline. Observed: 1 variant allele, 1 heterozygote.

Breakthrough Genomics
Classification: Benign. Review status: criteria provided, single submitter. Criteria: ACMG Guidelines, 2015. Collection method: not provided. Allele origin: germline. Inheritance: Autosomal recessive inheritance. Affected: yes.

PreventionGenetics, part of Exact Sciences
Classification: Benign for COL6A1-related condition. Last evaluated: 2019-07-19. Review status: no assertion criteria provided. Collection method: clinical testing. Allele origin: germline. Not counted in ClinVar's aggregate classification.
Comment: This variant is classified as benign based on ACMG/AMP sequence variant interpretation guidelines (Richards et al. 2015 PMID: 25741868, with internal and published modifications).

Genetic Services Laboratory, University of Chicago
Classification: Likely benign for AllHighlyPenetrant. Review status: no assertion criteria provided. Collection method: clinical testing. Allele origin: germline. Not counted in ClinVar's aggregate classification.
Comment: Likely benign based on allele frequency in 1000 Genomes Project or ESP global frequency and its presence in a patient with a rare or unrelated disease phenotype. NOT Sanger confirmed.

NM_001848.3(COL6A1):c.2783G>A (p.Arg928His)

Gene: COL6A1 (collagen type VI alpha 1 chain; plus strand). Cytogenetic location: 21q22.3.
Variant type: single nucleotide variant.
Coding change: c.2783G>A on transcript NM_001848.3 (MANE Select); coding-DNA position 2783, G replaced by A.
Protein change: p.Arg928His; replaces arginine 928 with histidine.
Molecular consequence: missense variant.
Genome position (GRCh38, 1-based): chr21:46,003,709, G>A. VCF-style: chr21-46003709-G-A. GRCh37 (hg19) VCF-style: chr21-47423623-G-A.
Identifiers: ClinVar variation 93869 (VCV000093869.26), dbSNP rs144671871, ClinGen allele CA147398.